The following is an entry in ClinVar:

NM_001367943.1(TCF7L2):c.621C>G (p.Ser207Arg)

Gene: TCF7L2 (transcription factor 7 like 2; plus strand). Cytogenetic location: 10q25.3.
Variant type: single nucleotide variant.
Coding change: c.621C>G on transcript NM_001367943.1 (MANE Select); coding-DNA position 621, C replaced by G.
Protein change: p.Ser207Arg; replaces serine 207 with arginine.
Molecular consequence: missense variant.
Genome position (GRCh38, 1-based): chr10:113,141,252, C>G. VCF-style: chr10-113141252-C-G. GRCh37 (hg19) VCF-style: chr10-114901011-C-G.
Other names: c.621C>G, p.Ser207Arg (NM_001146274.2, NM_001198531.2, NM_001363501.2); c.693C>G, p.Ser231Arg (NM_001146283.2); c.552C>G, p.Ser184Arg (NM_001146284.2, NM_001146285.2, NM_001146286.2 and 6 more transcripts); c.450C>G, p.Ser150Arg (NM_001198530.2); c.192C>G, p.Ser64Arg (NM_001349870.2); c.72C>G, p.Ser24Arg (NM_001349871.1); short protein forms S150R, S184R, S207R, S231R, S24R, S64R.
Identifiers: ClinVar variation 3067510 (VCV003067510.21), dbSNP rs2136840372, ClinGen allele CA378405826.

ClinVar aggregate classification (germline): Uncertain significance (1 of 4 stars; one submission).

Submission:

CeGaT Center for Human Genetics Tuebingen
Classification: Uncertain significance. Last evaluated: 2024-03-01. Review status: criteria provided, single submitter. Criteria: CeGaT Center For Human Genetics Tuebingen Variant Classification Criteria Version 2. Collection method: clinical testing. Allele origin: germline. Affected: yes. Observed: 1 variant allele.
Comment: TCF7L2: PM2, PP2, PP3